The following is an entry in ClinVar:

ClinVar aggregate classification (germline): Uncertain significance. Review status: criteria provided, multiple submitters, no conflicts (2 of 4 stars). 4 submissions from 3 submitters: Uncertain significance (3). 1 of the submissions does not count toward it. Last evaluated 2026-06-04.

Conditions:
Transitory neonatal diabetes mellitus. Also called: Transient neonatal diabetes mellitus. Identifiers: MedGen C0342273, MONDO:0020525, HP:0008255.
Maturity-onset diabetes of the young (MODY). Also called: Maturity onset diabetes mellitus in young. Identifiers: Orphanet 552, MedGen C0342276, MONDO:0018911, HP:0004904.
Hyperinsulinemic hypoglycemia, familial, 1 (HHF1). Also called: Persistent Hyperinsulinemia Hypoglycemia of Infancy; Persistent hyperinsulinemic hypoglycemia of infancy; HYPERINSULINISM, FAMILIAL, WITH PANCREATIC NESIDIOBLASTOSIS; HYPOGLYCEMIA, HYPERINSULINEMIC, OF INFANCY; NESIDIOBLASTOSIS OF PANCREAS. Identifiers: Orphanet 276575, Orphanet 276598, MedGen C2931832, MONDO:0009734, OMIM 256450.

Submissions (4):

Myriad Genetics, Inc.
Classification: Uncertain significance for Hyperinsulinemic hypoglycemia, familial, 1. Last evaluated: 2026-06-04. Review status: criteria provided, single submitter. Criteria: Myriad Autosomal Dominant, Autosomal Recessive and X-Linked Classification Criteria (2023). Collection method: clinical testing. Allele origin: unknown.
Comment: NM_000352.3(ABCC8):c.823-7T>A is an intronic variant classified as a variant of uncertain significance in the context of familial hyperinsulinism, ABCC8-related. c.823-7T>A has been observed in a case with relevant disease (PMID: 27247959). Relevant functional assessments of this variant are not available in the literature. c.823-7T>A has not been observed in referenced population frequency databases. In summary, there is insufficient evidence to classify NM_000352.3(ABCC8):c.823-7T>A as pathogenic or benign. Please note: this variant was assessed in the context of healthy population screening.

Clinical Genomics, Uppaluri K&H Personalized Medicine Clinic
Classification: Uncertain significance for Transitory neonatal diabetes mellitus. Review status: criteria provided, single submitter. Criteria: K & H Uppaluri Personalized Medicine Clinic Variant Classification & Assertion Criteria_Updated V.1. Collection method: research. Allele origin: unknown. Inheritance: Somatic mutation.
Comment: Mutations in ABCC8 gene are associated with both neonatal diabetes mellitus as well as MODY. Patients with this mutation may have a better response to sulfonylureas. However, no sufficient evidence is found to ascertain the role of this particular variant ( rs1554942148) in neonatal diabetes yet.

Clinical Genomics, Uppaluri K&H Personalized Medicine Clinic
Classification: Uncertain significance for Maturity-onset diabetes of the young. Review status: criteria provided, single submitter. Criteria: K & H Uppaluri Personalized Medicine Clinic Variant Classification & Assertion Criteria_Updated V.1. Collection method: research. Allele origin: unknown. Inheritance: Somatic mutation.
Comment: Mutations in ABCC8 gene are associated with both neonatal diabetes mellitus as well as MODY. Patients with this mutation may have a better response to sulfonylureas. However, no sufficient evidence is found to ascertain the role of this particular variant ( rs1554942148) in MODY yet.

Counsyl
Classification: Uncertain significance for Hyperinsulinemic hypoglycemia, familial, 1. Last evaluated: 2017-12-27. Review status: no assertion criteria provided. Collection method: clinical testing. Allele origin: unknown. Not counted in ClinVar's aggregate classification.

Literature cited by the submitters: PubMed 27247959 (cited by Myriad Genetics, Inc.); PubMed 16885549 (cited by Clinical Genomics, Uppaluri K&H Personalized Medicine Clinic); PubMed 21989597 (cited by Clinical Genomics, Uppaluri K&H Personalized Medicine Clinic); PubMed 27538677 (cited by Clinical Genomics, Uppaluri K&H Personalized Medicine Clinic); PubMed 18981553 (cited by Clinical Genomics, Uppaluri K&H Personalized Medicine Clinic); PubMed 32027066 (cited by Clinical Genomics, Uppaluri K&H Personalized Medicine Clinic); PubMed 16613899 (cited by Clinical Genomics, Uppaluri K&H Personalized Medicine Clinic); PubMed 18025408 (cited by Clinical Genomics, Uppaluri K&H Personalized Medicine Clinic); PubMed 32792356 (cited by Clinical Genomics, Uppaluri K&H Personalized Medicine Clinic).

NM_000352.6(ABCC8):c.823-7T>A

Gene: ABCC8 (ATP binding cassette subfamily C member 8; minus strand). Cytogenetic location: 11p15.1.
Variant type: single nucleotide variant.
Coding change: c.823-7T>A on transcript NM_000352.6 (MANE Select); 7 bases into the intron before coding-DNA position 823, T replaced by A.
Molecular consequence: intron variant.
Genome position (GRCh38, 1-based): chr11:17,460,683, A>T on the plus strand (T>A on the coding strand, the complement: ABCC8 is on the minus strand). VCF-style: chr11-17460683-A-T. GRCh37 (hg19) VCF-style: chr11-17482230-A-T.
Other names: c.820-7T>A (NM_001351297.2, NM_001351296.2); c.823-7T>A (NM_001351295.2, NM_001287174.3).
Identifiers: ClinVar variation 555693 (VCV000555693.4), dbSNP rs1554942148, ClinGen allele CA658821545.
Genomic context (GRCh38, chr11:17,460,683, plus strand): 5'-GCTGAGTGCCTGCCAGATGGCCCGGGCACCTTGAGTGCCCTGAATGTCCTTCCGCTGCCC[A>T]GAGAGACCATGGCCAGGTCAGAGTGCCTGAGGGCTAATTCACGGCTGGGCCTAGCCTCCC-3'